The following is an entry in ClinVar:

NM_015335.5(MED13L):c.5588+1G>A

Gene: MED13L (mediator complex subunit 13L; minus strand). Cytogenetic location: 12q24.21.
Variant type: single nucleotide variant.
Coding change: c.5588+1G>A on transcript NM_015335.5 (MANE Select); the canonical splice donor site of the intron after coding-DNA position 5588, G replaced by A.
Molecular consequence: splice donor variant.
Genome position (GRCh38, 1-based): chr12:115,975,514, C>T on the plus strand (G>A on the coding strand, the complement: MED13L is on the minus strand). VCF-style: chr12-115975514-C-T. GRCh37 (hg19) VCF-style: chr12-116413319-C-T.
Identifiers: ClinVar variation 431140 (VCV000431140.4), dbSNP rs1135401810, ClinGen allele CA386878825.

ClinVar aggregate classification (germline): Pathogenic (1 of 4 stars; one submission).

Conditions:
Cardiac anomalies - developmental delay - facial dysmorphism syndrome (MRFACD). Also called: MED13L Syndrome; Impaired intellectual development and distinctive facial features with or without cardiac defects. Identifiers: Orphanet 369891, MedGen C5192431, MONDO:0014773, OMIM 616789.

Submission:

Groupe Hospitalier Pitie Salpetriere, Uf Genomique Du Developpement, Assistance Publique Hopitaux de Paris Sorbonne Université
Classification: Pathogenic for Mental retardation and distinctive facial features with or without cardiac defects. Last evaluated: 2017-01-06. Review status: criteria provided, single submitter. Criteria: ACMG Guidelines, 2015. Collection method: clinical testing. Allele origin: de novo. Affected: yes. Observed: 2 variant alleles.
Comment: Intellectual disability, moderate; pyramidal syndrome; overweight

Literature cited by the submitters: PubMed 28708303 (cited by Groupe Hospitalier Pitie Salpetriere, Uf Genomique Du Developpement, Assistance Publique Hopitaux de Paris Sorbonne Université).